The following is an entry in ClinVar:

NM_001365480.1(CCDC88A):c.1283A>G (p.His428Arg)

Gene: CCDC88A (coiled-coil domain containing 88A; minus strand). Cytogenetic location: 2p16.1.
Variant type: single nucleotide variant.
Coding change: c.1283A>G on transcript NM_001365480.1 (MANE Select); coding-DNA position 1283, A replaced by G.
Protein change: p.His428Arg; replaces histidine 428 with arginine.
Molecular consequence: missense variant.
Genome position (GRCh38, 1-based): chr2:55,343,698, T>C on the plus strand (A>G on the coding strand, the complement: CCDC88A is on the minus strand). VCF-style: chr2-55343698-T-C. GRCh37 (hg19) VCF-style: chr2-55570834-T-C.
Other names: c.1283A>G, p.His428Arg (NM_001135597.2, NM_001254943.2, NM_018084.5); short protein forms H428R.
Identifiers: ClinVar variation 2663021 (VCV002663021.1), dbSNP rs1031159167, ClinGen allele CA346905564.

ClinVar aggregate classification (germline): Uncertain significance (1 of 4 stars; one submission).

gnomAD v4.1: 2 of 1,612,226 alleles (0.00012%); highest among the groups gnomAD compares: South Asian, 0.0011%; no homozygotes.

Submission:

GeneDx
Classification: Uncertain significance. Last evaluated: 2022-06-23. Review status: criteria provided, single submitter. Criteria: GeneDx Variant Classification Process June 2021. Collection method: clinical testing. Allele origin: germline. Affected: yes.
Comment: Not observed at significant frequency in large population cohorts (gnomAD); In silico analysis supports that this missense variant has a deleterious effect on protein structure/function; Has not been previously published as pathogenic or benign to our knowledge; Variants in candidate genes are classified as variants of uncertain significance in accordance with ACMG guidelines (Richards et al., 2015)